The following is an entry in ClinVar:

NM_000268.4(NF2):c.679A>T (p.Lys227Ter)

Gene: NF2 (NF2, moesin-ezrin-radixin like (MERLIN) tumor suppressor; plus strand). Cytogenetic location: 22q12.2.
Variant type: single nucleotide variant.
Coding change: c.679A>T on transcript NM_000268.4 (MANE Select); coding-DNA position 679, A replaced by T.
Protein change: p.Lys227Ter; replaces lysine 227 with a stop codon.
Molecular consequence: nonsense. On other transcripts: non-coding transcript variant (1), intron variant (1).
Genome position (GRCh38, 1-based): chr22:29,661,208, A>T. VCF-style: chr22-29661208-A-T. GRCh37 (hg19) VCF-style: chr22-30057197-A-T.
Other names: c.679A>T, p.Lys227Ter (NM_016418.5, NM_181825.3, NM_181832.3); c.553A>T, p.Lys185Ter (NM_181828.3); c.556A>T, p.Lys186Ter (NM_181829.3); c.430A>T, p.Lys144Ter (NM_181830.3, NM_181831.3); c.447+18923A>T (NM_181833.3); short protein forms K144*, K186*, K185*, K227*.
Identifiers: ClinVar variation 937475 (VCV000937475.4), dbSNP rs2066466759, ClinGen allele CA411143665.

ClinVar aggregate classification (germline): Pathogenic (1 of 4 stars; one submission).

Conditions:
Neurofibromatosis, type 2 (SWNV). Also called: BILATERAL ACOUSTIC NEUROFIBROMATOSIS; SCHWANNOMATOSIS, VESTIBULAR; NF2-Related Schwannomatosis. Identifiers: Orphanet 637, MedGen C0027832, MONDO:0007039, OMIM 101000. Disease mechanism: loss of function.

Submission:

Labcorp Genetics (formerly Invitae), Labcorp
Classification: Pathogenic for Neurofibromatosis, type 2. Last evaluated: 2023-07-08. Review status: criteria provided, single submitter. Criteria: Invitae Variant Classification Sherloc (09022015). Collection method: clinical testing. Allele origin: germline.
Comment: For these reasons, this variant has been classified as Pathogenic. ClinVar contains an entry for this variant (Variation ID: 937475). This variant has not been reported in the literature in individuals affected with NF2-related conditions. This variant is not present in population databases (gnomAD no frequency). This sequence change creates a premature translational stop signal (p.Lys227*) in the NF2 gene. It is expected to result in an absent or disrupted protein product. Loss-of-function variants in NF2 are known to be pathogenic (PMID: 9643284, 16983642).

Literature cited by the submitters: PubMed 9643284; PubMed 16983642.